The following is an entry in ClinVar:

NM_021930.6(RINT1):c.390del (p.Ile131fs)

Gene: RINT1 (RAD50 interactor 1; plus strand). Cytogenetic location: 7q22.3.
Variant type: Deletion.
Coding change: c.390del on transcript NM_021930.6 (MANE Select); coding-DNA position 390, one base deleted (C; older notation c.390delC).
Protein change: p.Ile131fs; shifts the reading frame from isoleucine 131.
Molecular consequence: frameshift variant. On other transcripts: 5 prime UTR variant (3), non-coding transcript variant (1).
Genome position (GRCh38, 1-based): chr7:105,542,524, C deleted; the last of 2 consecutive C bases (chr7:105,542,523-105,542,524); deleting either gives the same sequence. VCF-style (leftmost placement, unchanged base first): chr7-105542522-GC-G. GRCh37 (hg19) VCF-style: chr7-105182969-GC-G.
Other names: c.156del, p.Ile53fs (NM_001346599.2); c.-630del (NM_001346600.2); c.-533del (NM_001346601.2); c.-153del (NM_001346603.2); short protein forms I131fs, I53fs.
Identifiers: ClinVar variation 1053086 (VCV001053086.9), dbSNP rs771302691, ClinGen allele CA4426414.

ClinVar aggregate classification (germline): Conflicting classifications of pathogenicity. Review status: criteria provided, conflicting classifications (1 of 4 stars). 2 submissions from 2 submitters: Pathogenic (1); Uncertain significance (1). Last evaluated 2023-10-15.

Submissions (2):

Labcorp Genetics (formerly Invitae), Labcorp
Classification: Pathogenic. Last evaluated: 2023-10-15. Review status: criteria provided, single submitter. Criteria: Invitae Variant Classification Sherloc (09022015). Collection method: clinical testing. Allele origin: germline.
Comment: This sequence change creates a premature translational stop signal (p.Ile131Leufs*6) in the RINT1 gene. It is expected to result in an absent or disrupted protein product. Loss-of-function variants in RINT1 are known to be pathogenic (PMID: 31204009). This variant is present in population databases (rs771302691, gnomAD 0.006%). This variant has not been reported in the literature in individuals affected with RINT1-related conditions. ClinVar contains an entry for this variant (Variation ID: 1053086). For these reasons, this variant has been classified as Pathogenic.

Ambry Genetics
Classification: Uncertain significance. Last evaluated: 2023-06-18. Review status: criteria provided, single submitter. Criteria: Ambry Variant Classification Scheme 2023. Collection method: clinical testing. Allele origin: germline.
Comment: The c.390delC variant, located in coding exon 4 of the RINT1 gene, results from a deletion of one nucleotide at nucleotide position 390, causing a translational frameshift with a predicted alternate stop codon (p.I131Lfs*6). This alteration is expected to result in premature protein truncation or nonsense-mediated mRNA decay. However, the gene-disease association for RINT1 is limited. Since supporting evidence is limited at this time, the clinical significance of this alteration remains unclear.

Literature cited by the submitters: PubMed 31204009 (cited by Labcorp Genetics (formerly Invitae), Labcorp).